The following is an entry in ClinVar:

NM_017780.4(CHD7):c.5665+1dup

Gene: CHD7 (chromodomain helicase DNA binding protein 7; plus strand). Cytogenetic location: 8q12.2.
Variant type: Duplication.
Coding change: c.5665+1dup on transcript NM_017780.4 (MANE Select); the canonical splice donor site of the intron after coding-DNA position 5665, one base duplicated (G; older notation c.5665+1dupG).
Molecular consequence: splice donor variant. On other transcripts: intron variant (1).
Genome position (GRCh38, 1-based): chr8:60,851,320, G duplicated; the last of 2 consecutive G bases (chr8:60,851,319-60,851,320); duplicating either gives the same sequence. VCF-style (leftmost placement, unchanged base first): chr8-60851318-A-AG. GRCh37 (hg19) VCF-style: chr8-61763877-A-AG.
Other names: c.1717-10909dup (NM_001316690.1).
Identifiers: ClinVar variation 1452634 (VCV001452634.6), dbSNP rs2150806303, ClinGen allele CA2573143254.

ClinVar aggregate classification (germline): Pathogenic (1 of 4 stars; one submission).

Conditions:
CHARGE syndrome (CHARGE). Also called: Coloboma, heart anomaly, choanal atresia, retardation, genital and ear anomalies; CHARGE association; Hall-Hittner syndrome; Hittner Hirsch Kreh syndrome; CHARGE ASSOCIATION--COLOBOMA, HEART ANOMALY, CHOANAL ATRESIA, RETARDATION, GENITAL AND EAR ANOMALIES. Identifiers: Orphanet 138, MedGen C0265354, MONDO:0008965.

Submission:

Labcorp Genetics (formerly Invitae), Labcorp
Classification: Pathogenic for CHARGE syndrome. Last evaluated: 2021-08-27. Review status: criteria provided, single submitter. Criteria: Invitae Variant Classification Sherloc (09022015). Collection method: clinical testing. Allele origin: germline.
Comment: For these reasons, this variant has been classified as Pathogenic. Algorithms developed to predict the effect of sequence changes on RNA splicing suggest that this variant may disrupt the consensus splice site. Disruption of this splice site has been observed in individual(s) with clinical features of CHARGE syndrome (Invitae). This variant is not present in population databases (ExAC no frequency). This sequence change affects a splice site in intron 28 of the CHD7 gene. It is expected to disrupt RNA splicing. Variants that disrupt the donor or acceptor splice site typically lead to a loss of protein function (PMID: 16199547), and loss-of-function variants in CHD7 are known to be pathogenic (PMID: 22461308, 25077900).

Literature cited by the submitters: PubMed 16199547; PubMed 22461308; PubMed 25077900.